The following is an entry in ClinVar:

ClinVar aggregate classification (germline): Uncertain significance. Review status: criteria provided, multiple submitters, no conflicts (2 of 4 stars). 2 submissions from 2 submitters: Uncertain significance (2). Last evaluated 2025-12-11.

Conditions:
Inborn genetic diseases. Identifiers: MedGen C0950123, MeSH D030342.
Inflammatory bowel disease 28. Also called: Inflammatory bowel disease 28, early onset, autosomal recessive. Identifiers: Orphanet 238569, MedGen C2751053, MONDO:0013153, OMIM 613148.

Allele frequency attached by ClinVar (database versions not stated): gnomAD exomes 0.00003 and 0.00007; gnomAD 0.00006 and 0.00007; ExAC 0.00007; TOPMed 0.00011; 1000 Genomes Project 30x 0.00031; 1000 Genomes Project 0.00040.
gnomAD v4.1: 53 of 1,614,086 alleles (0.0033%); highest among the groups gnomAD compares: East Asian, 0.036%; no homozygotes.

Submissions (2):

Ambry Genetics
Classification: Uncertain significance for Inborn genetic diseases. Last evaluated: 2025-12-11. Review status: criteria provided, single submitter. Criteria: Ambry Variant Classification Scheme 2023. Collection method: clinical testing. Allele origin: germline.

Labcorp Genetics (formerly Invitae), Labcorp
Classification: Uncertain significance for Inflammatory bowel disease 28. Last evaluated: 2022-08-19. Review status: criteria provided, single submitter. Criteria: Invitae Variant Classification Sherloc (09022015). Collection method: clinical testing. Allele origin: germline.
Comment: This sequence change replaces arginine, which is basic and polar, with histidine, which is basic and polar, at codon 284 of the IL10RA protein (p.Arg284His). This variant is present in population databases (rs576666901, gnomAD 0.04%). This variant has not been reported in the literature in individuals affected with IL10RA-related conditions. ClinVar contains an entry for this variant (Variation ID: 1430417). Algorithms developed to predict the effect of missense changes on protein structure and function (SIFT, PolyPhen-2, Align-GVGD) all suggest that this variant is likely to be tolerated. In summary, the available evidence is currently insufficient to determine the role of this variant in disease. Therefore, it has been classified as a Variant of Uncertain Significance.

NM_001558.4(IL10RA):c.851G>A (p.Arg284His)

Gene: IL10RA (interleukin 10 receptor subunit alpha; plus strand). Cytogenetic location: 11q23.3.
Variant type: single nucleotide variant.
Coding change: c.851G>A on transcript NM_001558.4 (MANE Select); coding-DNA position 851, G replaced by A.
Protein change: p.Arg284His; replaces arginine 284 with histidine.
Molecular consequence: missense variant. On other transcripts: non-coding transcript variant (1).
Genome position (GRCh38, 1-based): chr11:117,998,755, G>A. VCF-style: chr11-117998755-G-A. GRCh37 (hg19) VCF-style: chr11-117869470-G-A.
Other names: c.851G>A (NM_001558.3); short protein forms R284H.
Identifiers: ClinVar variation 1430417 (VCV001430417.4), dbSNP rs576666901, ClinGen allele CA6299078.